The following is an entry in ClinVar:

NM_001367561.1(DOCK7):c.4027G>A (p.Val1343Ile)

Gene: DOCK7 (dedicator of cytokinesis 7; minus strand). Cytogenetic location: 1p31.3.
Variant type: single nucleotide variant.
Coding change: c.4027G>A on transcript NM_001367561.1 (MANE Select); coding-DNA position 4027, G replaced by A.
Protein change: p.Val1343Ile; replaces valine 1343 with isoleucine.
Molecular consequence: missense variant.
Genome position (GRCh38, 1-based): chr1:62,513,808, C>T on the plus strand (G>A on the coding strand, the complement: DOCK7 is on the minus strand). VCF-style: chr1-62513808-C-T. GRCh37 (hg19) VCF-style: chr1-62979479-C-T.
Other names: c.4027G>A, p.Val1343Ile (NM_001271999.2, NM_001330614.2); c.3934G>A, p.Val1312Ile (NM_001272000.2, NM_001272001.2, NM_033407.4); short protein forms V1312I, V1343I.
Identifiers: ClinVar variation 971155 (VCV000971155.3), dbSNP rs775638708, ClinGen allele CA885819.

ClinVar aggregate classification (germline): Uncertain significance (1 of 4 stars; one submission).

Conditions:
Developmental and epileptic encephalopathy, 23 (DEE23). Also called: Epileptic encephalopathy, early infantile, 23. Identifiers: Orphanet 411986, MedGen C4014492, MONDO:0014371, OMIM 615859.

Allele frequency attached by ClinVar (database versions not stated): gnomAD exomes below 0.00001 and 0.00001; ExAC 0.00001.
gnomAD v4.1: 11 of 1,614,130 alleles (0.00068%); highest among the groups gnomAD compares: Admixed American, 0.005%; no homozygotes.

Submission:

Labcorp Genetics (formerly Invitae), Labcorp
Classification: Uncertain significance for Developmental and epileptic encephalopathy, 23. Last evaluated: 2022-07-01. Review status: criteria provided, single submitter. Criteria: Invitae Variant Classification Sherloc (09022015). Collection method: clinical testing. Allele origin: germline.
Comment: This sequence change replaces valine, which is neutral and non-polar, with isoleucine, which is neutral and non-polar, at codon 1343 of the DOCK7 protein (p.Val1343Ile). This variant is present in population databases (rs775638708, gnomAD 0.0009%). This variant has not been reported in the literature in individuals affected with DOCK7-related conditions. ClinVar contains an entry for this variant (Variation ID: 971155). Algorithms developed to predict the effect of missense changes on protein structure and function (SIFT, PolyPhen-2, Align-GVGD) all suggest that this variant is likely to be tolerated. In summary, the available evidence is currently insufficient to determine the role of this variant in disease. Therefore, it has been classified as a Variant of Uncertain Significance.